The following is an entry in ClinVar:

NM_000219.6(KCNE1):c.27G>C (p.Val9=)

Gene: KCNE1 (potassium voltage-gated channel subfamily E regulatory subunit 1; minus strand). Cytogenetic location: 21q22.12.
Variant type: single nucleotide variant.
Coding change: c.27G>C on transcript NM_000219.6 (MANE Select); coding-DNA position 27, G replaced by C.
Protein change: p.Val9=; no amino-acid change (valine 9 retained).
Molecular consequence: synonymous variant.
Genome position (GRCh38, 1-based): chr21:34,449,608, C>G on the plus strand (G>C on the coding strand, the complement: KCNE1 is on the minus strand). VCF-style: chr21-34449608-C-G. GRCh37 (hg19) VCF-style: chr21-35821906-C-G.
Other names: c.27G>C, p.Val9= (NM_001127668.4, NM_001127669.4, NM_001127670.4 and 4 more transcripts).
Identifiers: ClinVar variation 3374502 (VCV003374502.2).
Genomic context (GRCh38, chr21:34,449,608, plus strand): 5'-GCCCGACATGTTGCCACCCTGCTGAACTGTCTCCTGCCACAGCTTGGTCAGAAAGGGCGT[C>G]ACCGCTGTGGTGTTAGACAGGATCATCCTGGGCATTAAGGTTCCACTGCTGCAGCTCAAA-3'
Protein context (NP_000210.2, residues 1-19): MILSNTTA[Val9=]TPFLTKLWQE

Conditions:
Long QT syndrome 5 (LQT5). Identifiers: Orphanet 101016, Orphanet 768, MedGen C1867904, MONDO:0013372, OMIM 613695.

Submission:

Roden Lab, Vanderbilt University Medical Center
No classification provided (evidence only). Condition: Long QT syndrome 5. Review status: no classification provided. Collection method: in vitro. Allele origin: not applicable. Functional consequence: Effect on ion channel function.
ClinVar note: "not provided" was previously submitted as the classification for the variant. However, the classification appeared to be based only on an observation of functional data so it was converted to no classification on 2025-07-30.